The following is an entry in ClinVar:

ClinVar aggregate classification (germline): Uncertain significance. Review status: criteria provided, multiple submitters, no conflicts (2 of 4 stars). 2 submissions from 2 submitters: Uncertain significance (2). Last evaluated 2025-05-12.

Conditions:
Dystonia 12 (DYT12). Also called: Rapid-Onset Dystonia-Parkinsonism (RDP); DYT-ATP1A3. Identifiers: Orphanet 71517, MedGen C1868681, MONDO:0007496, OMIM 128235.

Submissions (2):

GeneDx
Classification: Uncertain significance. Last evaluated: 2025-05-12. Review status: criteria provided, single submitter. Criteria: GeneDx Variant Classification Process June 2021. Collection method: clinical testing. Allele origin: germline. Affected: yes.
Comment: Not observed at significant frequency in large population cohorts (gnomAD); In silico analysis supports that this missense variant has a deleterious effect on protein structure/function; Has not been previously published as pathogenic or benign to our knowledge

Labcorp Genetics (formerly Invitae), Labcorp
Classification: Uncertain significance for Dystonia 12. Last evaluated: 2024-08-19. Review status: criteria provided, single submitter. Criteria: Invitae Variant Classification Sherloc (09022015). Collection method: clinical testing. Allele origin: germline.
Comment: This sequence change replaces glycine, which is neutral and non-polar, with aspartic acid, which is acidic and polar, at codon 620 of the ATP1A3 protein (p.Gly620Asp). This variant is not present in population databases (gnomAD no frequency). This variant has not been reported in the literature in individuals affected with ATP1A3-related conditions. Invitae Evidence Modeling of protein sequence and biophysical properties (such as structural, functional, and spatial information, amino acid conservation, physicochemical variation, residue mobility, and thermodynamic stability) indicates that this missense variant is expected to disrupt ATP1A3 protein function with a positive predictive value of 95%. In summary, the available evidence is currently insufficient to determine the role of this variant in disease. Therefore, it has been classified as a Variant of Uncertain Significance.

NM_152296.5(ATP1A3):c.1859G>A (p.Gly620Asp)

Gene: ATP1A3 (ATPase Na+/K+ transporting subunit alpha 3; minus strand). Cytogenetic location: 19q13.2.
Variant type: single nucleotide variant.
Coding change: c.1859G>A on transcript NM_152296.5 (MANE Select); coding-DNA position 1859, G replaced by A.
Protein change: p.Gly620Asp; replaces glycine 620 with aspartic acid.
Molecular consequence: missense variant.
Genome position (GRCh38, 1-based): chr19:41,978,020, C>T on the plus strand (G>A on the coding strand, the complement: ATP1A3 is on the minus strand). VCF-style: chr19-41978020-C-T. GRCh37 (hg19) VCF-style: chr19-42482172-C-T.
Other names: c.1892G>A, p.Gly631Asp (NM_001256213.2); c.1898G>A, p.Gly633Asp (NM_001256214.2); c.1859G>A (NM_152296.4); short protein forms G633D, G631D, G620D.
Identifiers: ClinVar variation 3636265 (VCV003636265.3).